The following is an entry in ClinVar:

NM_000180.4(GUCY2D):c.1938C>T (p.Leu646=)

Gene: GUCY2D (guanylate cyclase 2D, retinal; plus strand). Cytogenetic location: 17p13.1.
Variant type: single nucleotide variant.
Coding change: c.1938C>T on transcript NM_000180.4 (MANE Select); coding-DNA position 1938, C replaced by T.
Protein change: p.Leu646=; no amino-acid change (leucine 646 retained).
Molecular consequence: synonymous variant.
Genome position (GRCh38, 1-based): chr17:8,012,332, C>T. VCF-style: chr17-8012332-C-T. GRCh37 (hg19) VCF-style: chr17-7915650-C-T.
Identifiers: ClinVar variation 772052 (VCV000772052.16), dbSNP rs201196538, ClinGen allele CA8365935.

ClinVar aggregate classification (germline): Likely benign. Review status: criteria provided, multiple submitters, no conflicts (2 of 4 stars). 5 submissions from 5 submitters: Likely benign (3). 2 of the submissions do not count toward it. Last evaluated 2026-07-01.

Conditions:
Cone-rod dystrophy 6 (CORD6). Also called: RETINAL CONE DYSTROPHY 2; Cone dystrophy progressive. Identifiers: Orphanet 1872, MedGen C1866293, MONDO:0011143, OMIM 601777.
Leber congenital amaurosis 1 (LCA1). Also called: AMAUROSIS CONGENITA OF LEBER I; RETINAL BLINDNESS, CONGENITAL; Congenital absence of the rods and cones; Leber's congenital tapetoretinal degeneration; Leber's congenital tapetoretinal dysplasia. Identifiers: Orphanet 65, MedGen C2931258, MONDO:0008764, OMIM 204000.

Allele frequency attached by ClinVar (database versions not stated): ESP Exome Variant Server 0.00008; 1000 Genomes Project 30x 0.00016; ExAC 0.00016; gnomAD exomes 0.00019 and 0.00052; 1000 Genomes Project 0.00020; gnomAD 0.00025; TOPMed 0.00025.
gnomAD v4.1: 771 of 1,613,798 alleles (0.048%); highest among the groups gnomAD compares: Non-Finnish European, 0.064%; 2 homozygotes.

Submissions (5):

CeGaT Center for Human Genetics Tuebingen
Classification: Likely benign. Last evaluated: 2026-07-01. Review status: criteria provided, single submitter. Criteria: CeGaT Center For Human Genetics Tuebingen Variant Classification Criteria Version 2. Collection method: clinical testing. Allele origin: germline. Affected: yes. Observed: 1 variant allele.
Comment: GUCY2D: BP4, BP7

Labcorp Genetics (formerly Invitae), Labcorp
Classification: Likely benign for Leber congenital amaurosis 1; Cone-rod dystrophy 6. Last evaluated: 2025-12-17. Review status: criteria provided, single submitter. Criteria: Invitae Variant Classification Sherloc (09022015). Collection method: clinical testing. Allele origin: germline.

Blueprint Genetics
Classification: Likely benign. Last evaluated: 2024-05-22. Review status: criteria provided, single submitter. Criteria: ACMG Guidelines, 2015. Collection method: clinical testing. Allele origin: germline.

Clinical Genetics DNA and cytogenetics Diagnostics Lab, Erasmus MC, Erasmus Medical Center
Classification: Likely benign. Review status: no assertion criteria provided. Collection method: clinical testing. Allele origin: germline. Affected: yes. Study: VKGL Data-share Consensus. Not counted in ClinVar's aggregate classification.

Clinical Genetics, Academic Medical Center
Classification: Benign. Review status: no assertion criteria provided. Collection method: clinical testing. Allele origin: germline. Affected: yes. Study: VKGL Data-share Consensus. Not counted in ClinVar's aggregate classification.